The following is an entry in ClinVar:

ClinVar aggregate classification (germline): Uncertain significance (1 of 4 stars; one submission).

Conditions:
Dystonic disorder. Also called: Dystonia. Identifiers: MedGen C0013421, MONDO:0003441, HP:0001332.

Allele frequency attached by ClinVar (database versions not stated): gnomAD exomes below 0.00001; TOPMed below 0.00001.
gnomAD v4.1: 3 of 1,503,710 alleles (0.0002%); highest among the groups gnomAD compares: Admixed American, 0.0042%; no homozygotes.

Submission:

Labcorp Genetics (formerly Invitae), Labcorp
Classification: Uncertain significance for Dystonic disorder. Last evaluated: 2022-02-24. Review status: criteria provided, single submitter. Criteria: Invitae Variant Classification Sherloc (09022015). Collection method: clinical testing. Allele origin: germline.
Comment: In summary, the available evidence is currently insufficient to determine the role of this variant in disease. Therefore, it has been classified as a Variant of Uncertain Significance. Algorithms developed to predict the effect of missense changes on protein structure and function (SIFT, PolyPhen-2, Align-GVGD) all suggest that this variant is likely to be tolerated. ClinVar contains an entry for this variant (Variation ID: 957063). This variant has not been reported in the literature in individuals affected with SPR-related conditions. The frequency data for this variant in the population databases is considered unreliable, as metrics indicate poor data quality at this position in the gnomAD database. This sequence change replaces proline, which is neutral and non-polar, with threonine, which is neutral and polar, at codon 87 of the SPR protein (p.Pro87Thr).

NM_003124.5(SPR):c.259C>A (p.Pro87Thr)

Gene: SPR (sepiapterin reductase; plus strand). Cytogenetic location: 2p13.2.
Variant type: single nucleotide variant.
Coding change: c.259C>A on transcript NM_003124.5 (MANE Select); coding-DNA position 259, C replaced by A.
Protein change: p.Pro87Thr; replaces proline 87 with threonine.
Molecular consequence: missense variant.
Genome position (GRCh38, 1-based): chr2:72,887,691, C>A. VCF-style: chr2-72887691-C-A. GRCh37 (hg19) VCF-style: chr2-73114820-C-A.
Other names: short protein forms P87T.
Identifiers: ClinVar variation 957063 (VCV000957063.7), dbSNP rs1027610333, ClinGen allele CA49795632.